The following is an entry in ClinVar:

ClinVar aggregate classification (germline): Uncertain significance (1 of 4 stars; one submission).

Conditions:
D-2-hydroxyglutaric aciduria 2 (D2HGA2). Identifiers: Orphanet 79315, MedGen C3150909, MONDO:0013345, OMIM 613657.

Allele frequency attached by ClinVar (database versions not stated): TOPMed below 0.00001; gnomAD 0.00001; gnomAD exomes 0.00001.
gnomAD v4.1: 9 of 1,550,580 alleles (0.00058%); highest among the groups gnomAD compares: African/African-American, 0.0014%; no homozygotes.

Submission:

Labcorp Genetics (formerly Invitae), Labcorp
Classification: Uncertain significance for D-2-hydroxyglutaric aciduria 2. Last evaluated: 2025-02-26. Review status: criteria provided, single submitter. Criteria: Invitae Variant Classification Sherloc (09022015). Collection method: clinical testing. Allele origin: germline.
Comment: This sequence change replaces valine, which is neutral and non-polar, with isoleucine, which is neutral and non-polar, at codon 351 of the IDH2 protein (p.Val351Ile). This variant is present in population databases (no rsID available, gnomAD 0.002%). This variant has not been reported in the literature in individuals affected with IDH2-related conditions. ClinVar contains an entry for this variant (Variation ID: 1939179). Invitae Evidence Modeling of protein sequence and biophysical properties (such as structural, functional, and spatial information, amino acid conservation, physicochemical variation, residue mobility, and thermodynamic stability) indicates that this missense variant is not expected to disrupt IDH2 protein function with a negative predictive value of 80%. In summary, the available evidence is currently insufficient to determine the role of this variant in disease. Therefore, it has been classified as a Variant of Uncertain Significance.

NM_002168.4(IDH2):c.1051G>A (p.Val351Ile)

Gene: IDH2 (isocitrate dehydrogenase (NADP(+)) 2; minus strand). Cytogenetic location: 15q26.1.
Variant type: single nucleotide variant.
Coding change: c.1051G>A on transcript NM_002168.4 (MANE Select); coding-DNA position 1051, G replaced by A.
Protein change: p.Val351Ile; replaces valine 351 with isoleucine.
Molecular consequence: missense variant.
Genome position (GRCh38, 1-based): chr15:90,085,304, C>T on the plus strand (G>A on the coding strand, the complement: IDH2 is on the minus strand). VCF-style: chr15-90085304-C-T. GRCh37 (hg19) VCF-style: chr15-90628536-C-T.
Other names: c.895G>A, p.Val299Ile (NM_001289910.1); c.661G>A, p.Val221Ile (NM_001290114.2); short protein forms V221I, V299I, V351I.
Identifiers: ClinVar variation 1939179 (VCV001939179.5), dbSNP rs745389409, ClinGen allele CA393818952.